The following is an entry in ClinVar:

ClinVar aggregate classification (germline): Uncertain significance. Review status: criteria provided, multiple submitters, no conflicts (2 of 4 stars). 4 submissions from 4 submitters: Uncertain significance (3). 1 of the submissions does not count toward it. Last evaluated 2026-05-17.

Conditions:
Muscular dystrophy-dystroglycanopathy (congenital with brain and eye anomalies), type A, 4 (MDDGA4). Also called: Walker-Warburg Syndrome, Fktn-Related; Muscular dystrophy, congenital progressive, with mental retardation; Muscular dystrophy, congenital, with central nervous system involvement; Cerebromuscular dystrophy, Fukuyama type; Congenital muscular dystrophy-dystroglycanopathy with brain and eye anomalies, type A4; WALKER-WARBURG SYNDROME OR MUSCLE-EYE-BRAIN DISEASE, FKTN-RELATED. Identifiers: Orphanet 272, Orphanet 588, Orphanet 899, MedGen C0410174, MONDO:0009678, OMIM 253800.
Muscular dystrophy-dystroglycanopathy (congenital without impaired intellectual development), type B, 4. Also called: Muscular dystrophy-dystroglycanopathy (congenital without intellectual disability), type B4; MUSCULAR DYSTROPHY, CONGENITAL, FKTN-RELATED. Identifiers: MedGen C2751052, MONDO:0013156, OMIM 613152.
Dilated cardiomyopathy 1X (CMD1X). Also called: FKTN-Related Dilated Cardiomyopathy; CARDIOMYOPATHY, DILATED, WITH MILD OR NO PROXIMAL MUSCLE WEAKNESS. Identifiers: Orphanet 154, MedGen C1969024, MONDO:0012704, OMIM 611615.
Muscular dystrophy-dystroglycanopathy (congenital with brain and eye anomalies), type A1 (MDDGA1). Also called: COD-MD SYNDROME; Muscular dystrophy-dystroglycanopathy (congenital with brain and eye anomalies), type A, 1; WALKER-WARBURG SYNDROME OR MUSCLE-EYE-BRAIN DISEASE, POMT1-RELATED; Hydrocephalus, agyria and retinal dysplasia; Hard +/- E syndrome; Warburg syndrome. Identifiers: Orphanet 588, Orphanet 899, MedGen C4284790, MONDO:0009364, OMIM 236670.
Autosomal recessive limb-girdle muscular dystrophy type 2M. Also called: MUSCULAR DYSTROPHY-DYSTROGLYCANOPATHY (LIMB-GIRDLE), TYPE C, 4; MUSCULAR DYSTROPHY, LIMB-GIRDLE, TYPE 2M. Identifiers: Orphanet 206554, MedGen C1969040, MONDO:0012699, OMIM 611588.
Cardiovascular phenotype. Identifiers: MedGen CN230736.
Walker-Warburg congenital muscular dystrophy. Also called: Muscular dystrophy-dystroglycanopathy, type A; Walker-Warburg syndrome. Identifiers: Orphanet 899, MedGen C0265221, MONDO:0000171.

Allele frequency attached by ClinVar (database versions not stated): gnomAD exomes below 0.00001.
gnomAD v4.1: 3 of 1,609,896 alleles (0.00019%); highest among the groups gnomAD compares: Non-Finnish European, 0.00026%; no homozygotes.

Submissions (4):

Ambry Genetics
Classification: Uncertain significance for Cardiovascular phenotype. Last evaluated: 2026-05-17. Review status: criteria provided, single submitter. Criteria: Ambry Variant Classification Scheme 2023. Collection method: clinical testing. Allele origin: germline.
Comment: The p.L10S variant (also known as c.29T>C), located in coding exon 1 of the FKTN gene, results from a T to C substitution at nucleotide position 29. The leucine at codon 10 is replaced by serine, an amino acid with dissimilar properties. This amino acid position is conserved. In addition, this alteration is predicted to be deleterious by in silico analysis. Based on the available evidence, the clinical significance of this variant remains unclear.

Labcorp Genetics (formerly Invitae), Labcorp
Classification: Uncertain significance for Walker-Warburg congenital muscular dystrophy. Last evaluated: 2021-08-26. Review status: criteria provided, single submitter. Criteria: Invitae Variant Classification Sherloc (09022015). Collection method: clinical testing. Allele origin: germline.
Comment: This sequence change replaces leucine with serine at codon 10 of the FKTN protein (p.Leu10Ser). The leucine residue is highly conserved and there is a large physicochemical difference between leucine and serine. This variant is not present in population databases (ExAC no frequency). This variant has not been reported in the literature in individuals affected with FKTN-related conditions. Algorithms developed to predict the effect of missense changes on protein structure and function (SIFT, PolyPhen-2, Align-GVGD) all suggest that this variant is likely to be disruptive. In summary, the available evidence is currently insufficient to determine the role of this variant in disease. Therefore, it has been classified as a Variant of Uncertain Significance.

Department of Pathology and Laboratory Medicine, Sinai Health System
Classification: Uncertain significance for Muscular dystrophy-dystroglycanopathy (congenital with brain and eye anomalies), type A1; Muscular dystrophy-dystroglycanopathy (congenital with brain and eye anomalies), type A, 4; Autosomal recessive limb-girdle muscular dystrophy type 2M; Dilated cardiomyopathy 1X; Muscular dystrophy-dystroglycanopathy (congenital without impaired intellectual development), type B, 4. Last evaluated: 2020-06-16. Review status: criteria provided, single submitter. Criteria: ACMG Guidelines, 2015. Collection method: research. Allele origin: germline.

Natera, Inc.
Classification: Uncertain significance for Walker-Warburg congenital muscular dystrophy. Last evaluated: 2020-06-11. Review status: no assertion criteria provided. Collection method: clinical testing. Allele origin: germline. Not counted in ClinVar's aggregate classification.

NM_001079802.2(FKTN):c.29T>C (p.Leu10Ser)

Gene: FKTN (fukutin; plus strand). Cytogenetic location: 9q31.2.
Variant type: single nucleotide variant.
Coding change: c.29T>C on transcript NM_001079802.2 (MANE Select); coding-DNA position 29, T replaced by C.
Protein change: p.Leu10Ser; replaces leucine 10 with serine.
Molecular consequence: missense variant. On other transcripts: 5 prime UTR variant (5), non-coding transcript variant (2).
Genome position (GRCh38, 1-based): chr9:105,575,061, T>C. VCF-style: chr9-105575061-T-C. GRCh37 (hg19) VCF-style: chr9-108337342-T-C.
Other names: c.29T>C, p.Leu10Ser (NM_001198963.2, NM_001351496.2, NM_001351498.2 and 1 more transcripts); c.-139T>C (NM_001351497.2); c.-486T>C (NM_001351499.2, NM_001351500.2, NM_001351501.2 and 1 more transcripts); short protein forms L10S.
Identifiers: ClinVar variation 640945 (VCV000640945.14), dbSNP rs1587865923, ClinGen allele CA374330836.
Genomic context (GRCh38, chr9:105,575,061, plus strand): 5'-TCAAAAGACAACCAAGTGAGCAGCACAGACTAATGAGTAGAATCAATAAGAACGTGGTTT[T>C]GGCCCTTTTAACGCTGACAAGTTCTGCATTTCTGCTGTTTCAGTTGTACTACTACAAGCA-3'
Protein context (NP_001073270.1, residues 1-20): MSRINKNVV[Leu10Ser]ALLTLTSSAF